The following is an entry in ClinVar:

NM_001165963.4(SCN1A):c.570G>A (p.Trp190Ter)

Gene: SCN1A (sodium voltage-gated channel alpha subunit 1; minus strand). Cytogenetic location: 2q24.3.
Variant type: single nucleotide variant.
Coding change: c.570G>A on transcript NM_001165963.4 (MANE Select); coding-DNA position 570, G replaced by A.
Protein change: p.Trp190Ter; replaces tryptophan 190 with a stop codon.
Molecular consequence: nonsense. On other transcripts: 5 prime UTR variant (1), non-coding transcript variant (1).
Genome position (GRCh38, 1-based): chr2:166,054,670, C>T on the plus strand (G>A on the coding strand, the complement: SCN1A is on the minus strand). VCF-style: chr2-166054670-C-T. GRCh37 (hg19) VCF-style: chr2-166911180-C-T.
Other names: c.570G>A, p.Trp190Ter (NM_001165964.3, NM_001202435.3, NM_001353948.2 and 10 more transcripts); c.-1856G>A (NM_001353961.2); short protein forms W190*.
Identifiers: ClinVar variation 4747065 (VCV004747065.1).
Genomic context (GRCh38, chr2:166,054,670, plus strand): 5'-CTCTTAAAGTTTCAAAAAAGGCACTTACGCAAATGTAATGACAGTGAAATCGAGCCAGTT[C>T]CATGGATCCCGAAGGAAAGTAAAATCTTCTAAACAGAATCCCCTTGCAATAATTTTTATA-3'

ClinVar aggregate classification (germline): Pathogenic (1 of 4 stars; one submission).

Conditions:
Early-infantile DEE. Also called: Ohtahara syndrome; Early infantile epileptic encephalopathy with suppression bursts; Early infantile epileptic encephalopathy. Identifiers: Orphanet 1934, MedGen C0393706, MONDO:0800491.

Submission:

Labcorp Genetics (formerly Invitae), Labcorp
Classification: Pathogenic for Early-infantile DEE. Last evaluated: 2025-02-18. Review status: criteria provided, single submitter. Criteria: Invitae Variant Classification Sherloc (09022015). Collection method: clinical testing. Allele origin: germline.
Comment: This sequence change creates a premature translational stop signal (p.Trp190*) in the SCN1A gene. It is expected to result in an absent or disrupted protein product. Loss-of-function variants in SCN1A are known to be pathogenic (PMID: 17347258, 18930999). This variant is not present in population databases (gnomAD no frequency). This premature translational stop signal has been observed in individual(s) with SCN1A-related conditions (PMID: 17561957). For these reasons, this variant has been classified as Pathogenic.

Literature cited by the submitters: PubMed 17347258; PubMed 18930999; PubMed 17561957.